The following is an entry in ClinVar:

NM_000535.7(PMS2):c.534G>C (p.Lys178Asn)

Gene: PMS2 (PMS1 homolog 2, mismatch repair system component; minus strand). Cytogenetic location: 7p22.1.
Variant type: single nucleotide variant.
Coding change: c.534G>C on transcript NM_000535.7 (MANE Select); coding-DNA position 534, G replaced by C.
Protein change: p.Lys178Asn; replaces lysine 178 with asparagine.
Molecular consequence: missense variant. On other transcripts: 5 prime UTR variant (2), non-coding transcript variant (1), intron variant (1).
Genome position (GRCh38, 1-based): chr7:6,002,456, C>G on the plus strand (G>C on the coding strand, the complement: PMS2 is on the minus strand). VCF-style: chr7-6002456-C-G. GRCh37 (hg19) VCF-style: chr7-6042087-C-G.
Other names: c.534G>C, p.Lys178Asn (NM_001406871.1, NM_001406872.1, NM_001406873.1 and 8 more transcripts); c.225G>C, p.Lys75Asn (NM_001406875.1, NM_001406877.1, NM_001406878.1 and 6 more transcripts); c.216G>C, p.Lys72Asn (NM_001406876.1, NM_001406883.1, NM_001322007.2 and 4 more transcripts); c.129G>C, p.Lys43Asn (NM_001406887.1, NM_001406888.1, NM_001406889.1 and 25 more transcripts); c.-351G>C (NM_001322011.2, NM_001322012.2); c.720G>C, p.Lys240Asn (NM_001406866.1); c.558G>C, p.Lys186Asn (NM_001406868.1); c.250+1516G>C (NM_001406885.1); short protein forms K43N, K75N, K178N, K72N, K186N, K240N.
Identifiers: ClinVar variation 2723913 (VCV002723913.3), dbSNP rs1288953417, ClinGen allele CA366744154.

ClinVar aggregate classification (germline): Uncertain significance (1 of 4 stars; one submission).

Conditions:
Hereditary nonpolyposis colorectal neoplasms. Identifiers: MedGen C0009405, MeSH D003123.

Submission:

Labcorp Genetics (formerly Invitae), Labcorp
Classification: Uncertain significance for Hereditary nonpolyposis colorectal neoplasms. Last evaluated: 2023-06-22. Review status: criteria provided, single submitter. Criteria: Invitae Variant Classification Sherloc (09022015). Collection method: clinical testing. Allele origin: germline.
Comment: This sequence change replaces lysine, which is basic and polar, with asparagine, which is neutral and polar, at codon 178 of the PMS2 protein (p.Lys178Asn). This variant is present in population databases (no rsID available, gnomAD 0.003%). This variant has not been reported in the literature in individuals affected with PMS2-related conditions. Advanced modeling of protein sequence and biophysical properties (such as structural, functional, and spatial information, amino acid conservation, physicochemical variation, residue mobility, and thermodynamic stability) performed at Invitae indicates that this missense variant is expected to disrupt PMS2 protein function. In summary, the available evidence is currently insufficient to determine the role of this variant in disease. Therefore, it has been classified as a Variant of Uncertain Significance.